The following is an entry in ClinVar:

ClinVar aggregate classification (germline): Benign/Likely benign. Review status: criteria provided, multiple submitters, no conflicts (2 of 4 stars). 9 submissions from 9 submitters: Benign (2); Likely benign (5). 2 of the submissions do not count toward it. Last evaluated 2026-01-20.

Conditions:
Retinitis pigmentosa (RP). Identifiers: Orphanet 791, MedGen C0035334, MeSH D012174, MONDO:0019200, OMIM 268000. Inheritance: Autosomal dominant, autosomal recessive and X linked inheritance.
Retinitis pigmentosa 33 (RP33). Identifiers: Orphanet 791, MedGen C1835895, MONDO:0012477, OMIM 610359.

Allele frequency attached by ClinVar (database versions not stated): 1000 Genomes Project 30x 0.00109; TOPMed 0.00128; gnomAD 0.00133 and 0.00146; 1000 Genomes Project 0.00140; ESP Exome Variant Server 0.00177; gnomAD exomes 0.00205 and 0.00244; ExAC 0.00241.
gnomAD v4.1: 3,236 of 1,614,126 alleles (0.2%); highest among the groups gnomAD compares: South Asian, 0.65%; 18 homozygotes.

Submissions (9):

Labcorp Genetics (formerly Invitae), Labcorp
Classification: Benign. Last evaluated: 2026-01-20. Review status: criteria provided, single submitter. Criteria: Invitae Variant Classification Sherloc (09022015). Collection method: clinical testing. Allele origin: germline.

CeGaT Center for Human Genetics Tuebingen
Classification: Benign. Last evaluated: 2025-09-01. Review status: criteria provided, single submitter. Criteria: CeGaT Center For Human Genetics Tuebingen Variant Classification Criteria Version 2. Collection method: clinical testing. Allele origin: germline. Affected: yes. Observed: 6 variant alleles.
Comment: SNRNP200: BP4, BP7, BS1, BS2

Blueprint Genetics
Classification: Likely benign. Last evaluated: 2024-11-22. Review status: criteria provided, single submitter. Criteria: ACMG Guidelines, 2015. Collection method: clinical testing. Allele origin: germline.

Fulgent Genetics
Classification: Likely benign for Retinitis pigmentosa 33. Last evaluated: 2022-01-24. Review status: criteria provided, single submitter. Criteria: ACMG Guidelines, 2015. Collection method: clinical testing. Allele origin: unknown.

ARUP Laboratories, Molecular Genetics and Genomics, ARUP Laboratories
Classification: Likely benign for Retinitis pigmentosa 33. Last evaluated: 2019-06-19. Review status: criteria provided, single submitter. Criteria: ARUP Molecular Germline Variant Investigation Process. Collection method: clinical testing. Allele origin: germline.

Illumina Laboratory Services, Illumina
Classification: Likely benign for Retinitis pigmentosa. Last evaluated: 2018-01-12. Review status: criteria provided, single submitter. Criteria: ICSL Variant Classification Criteria 13 December 2019. Collection method: clinical testing. Allele origin: germline.
Comment: This variant was observed in the ICSL laboratory as part of a predisposition screen in an ostensibly healthy population. It had not been previously curated by ICSL or reported in the Human Gene Mutation Database (HGMD: prior to June 1st, 2018), and was therefore a candidate for classification through an automated scoring system. Utilizing variant allele frequency, disease prevalence and penetrance estimates, and inheritance mode, an automated score was calculated to assess if this variant is too frequent to cause the disease. Based on the score and internal cut-off values, a variant classified as likely benign is not then subjected to further curation. The score for this variant resulted in a classification of likely benign for this disease.

Eurofins Ntd Llc (ga)
Classification: Likely benign. Last evaluated: 2014-12-17. Review status: criteria provided, single submitter. Criteria: EGL Classification Definitions 2015. Collection method: clinical testing. Allele origin: germline. Observed: 2 variant alleles, 2 heterozygotes.

Clinical Genetics DNA and cytogenetics Diagnostics Lab, Erasmus MC, Erasmus Medical Center
Classification: Likely benign. Review status: no assertion criteria provided. Collection method: clinical testing. Allele origin: germline. Affected: yes. Study: VKGL Data-share Consensus. Not counted in ClinVar's aggregate classification.

Clinical Genetics, Academic Medical Center
Classification: Benign. Review status: no assertion criteria provided. Collection method: clinical testing. Allele origin: germline. Affected: yes. Study: VKGL Data-share Consensus. Not counted in ClinVar's aggregate classification.

NM_014014.5(SNRNP200):c.5766C>T (p.Leu1922=)

Gene: SNRNP200 (small nuclear ribonucleoprotein U5 subunit 200; minus strand). Cytogenetic location: 2q11.2.
Variant type: single nucleotide variant.
Coding change: c.5766C>T on transcript NM_014014.5 (MANE Select); coding-DNA position 5766, C replaced by T.
Protein change: p.Leu1922=; no amino-acid change (leucine 1922 retained).
Molecular consequence: synonymous variant.
Genome position (GRCh38, 1-based): chr2:96,277,704, G>A on the plus strand (C>T on the coding strand, the complement: SNRNP200 is on the minus strand). VCF-style: chr2-96277704-G-A. GRCh37 (hg19) VCF-style: chr2-96943442-G-A.
Identifiers: ClinVar variation 197443 (VCV000197443.55), dbSNP rs147427344, ClinGen allele CA202888.